The following is an entry in ClinVar:

NM_003072.5(SMARCA4):c.2096C>G (p.Ser699Cys)

Gene: SMARCA4 (SWI/SNF related BAF chromatin remodeling complex subunit ATPase 4; plus strand). Cytogenetic location: 19p13.2.
Variant type: single nucleotide variant.
Coding change: c.2096C>G on transcript NM_003072.5 (MANE Select); coding-DNA position 2096, C replaced by G.
Protein change: p.Ser699Cys; replaces serine 699 with cysteine.
Molecular consequence: missense variant. On other transcripts: non-coding transcript variant (1).
Genome position (GRCh38, 1-based): chr19:11,007,996, C>G. VCF-style: chr19-11007996-C-G. GRCh37 (hg19) VCF-style: chr19-11118672-C-G.
Other names: c.2096C>G, p.Ser699Cys (NM_001128844.3, NM_001128845.2, NM_001128846.2 and 4 more transcripts); short protein forms S699C.
Identifiers: ClinVar variation 864267 (VCV000864267.9), dbSNP rs2088406134, ClinGen allele CA404052572.
Genomic context (GRCh38, chr19:11,007,996, plus strand): 5'-CTCCCACCCTGCCCGTGGAGGAGAAGAAGAAGATTCCAGATCCAGACAGCGATGACGTCT[C>G]TGAGGTGGACGCGCGGCACATCATTGAGTAAGGGGTCCCGACACAGGTTGTTCTGTGCCA-3'
Protein context (NP_003063.2, residues 689-709): KIPDPDSDDV[Ser699Cys]EVDARHIIEN

ClinVar aggregate classification (germline): Uncertain significance (1 of 4 stars; one submission).

Conditions:
Rhabdoid tumor predisposition syndrome 2 (RTPS2). Identifiers: Orphanet 231108, Orphanet 69077, MedGen C2750074, MONDO:0013224, OMIM 613325.

Submission:

Labcorp Genetics (formerly Invitae), Labcorp
Classification: Uncertain significance for Rhabdoid tumor predisposition syndrome 2. Last evaluated: 2019-01-25. Review status: criteria provided, single submitter. Criteria: Invitae Variant Classification Sherloc (09022015). Collection method: clinical testing. Allele origin: germline.
Comment: Algorithms developed to predict the effect of missense changes on protein structure and function (SIFT, PolyPhen-2, Align-GVGD) all suggest that this variant is likely to be disruptive, but these predictions have not been confirmed by published functional studies and their clinical significance is uncertain. This variant has not been reported in the literature in individuals with SMARCA4-related conditions. This variant is not present in population databases (ExAC no frequency). This sequence change replaces serine with cysteine at codon 699 of the SMARCA4 protein (p.Ser699Cys). The serine residue is highly conserved and there is a moderate physicochemical difference between serine and cysteine. Algorithms developed to predict the effect of sequence changes on RNA splicing suggest that this variant may create or strengthen a splice site, but this prediction has not been confirmed by published transcriptional studies. In summary, the available evidence is currently insufficient to determine the role of this variant in disease. Therefore, it has been classified as a Variant of Uncertain Significance.